The following is an entry in ClinVar:

ClinVar aggregate classification (germline): Uncertain significance (1 of 4 stars; one submission).

Conditions:
Ornithine carbamoyltransferase deficiency (OTCD). Also called: Ornithine Carbamoyltransferase Deficiency Disease; ORNITHINE TRANSCARBAMYLASE DEFICIENCY; ORNITHINE TRANSCARBAMYLASE DEFICIENCY, HYPERAMMONEMIA DUE TO; OTC DEFICIENCY. Identifiers: Orphanet 664, MedGen C0268542, MONDO:0010703, OMIM 311250.

Submission:

All of Us Research Program, National Institutes of Health
Classification: Uncertain significance for Ornithine carbamoyltransferase deficiency. Last evaluated: 2024-02-22. Review status: criteria provided, single submitter. Criteria: ACMG Guidelines, 2015. Collection method: clinical testing. Allele origin: germline. Inheritance: X-linked inheritance. Observed: 1 variant allele, 1 hemizygote.
Comment: This missense variant replaces isoleucine with leucine at codon 85 of the OTC protein. Computational prediction is inconclusive regarding the impact of this variant on protein structure and function (internally defined REVEL score threshold 0.5 < inconclusive < 0.7, PMID: 27666373). To our knowledge, functional studies have not been reported for this variant. This variant has not been reported in individuals affected with OTC-related disorders in the literature. This variant has not been identified in the general population by the Genome Aggregation Database (gnomAD). The available evidence is insufficient to determine the role of this variant in disease conclusively. Therefore, this variant is classified as a Variant of Uncertain Significance.

This study involves interpretation of variants in research participants for the purpose of population health screening. Participant phenotype was not available at the time of variant classification. Additional details can be found in publication PMID: 35346344, PMCID: PMC8962531

NM_000531.6(OTC):c.253A>C (p.Ile85Leu)

Gene: OTC (ornithine transcarbamylase; plus strand). Cytogenetic location: Xp11.4.
Variant type: single nucleotide variant.
Coding change: c.253A>C on transcript NM_000531.6 (MANE Select); coding-DNA position 253, A replaced by C.
Protein change: p.Ile85Leu; replaces isoleucine 85 with leucine.
Molecular consequence: missense variant.
Genome position (GRCh38, 1-based): chrX:38,369,832, A>C. VCF-style: chrX-38369832-A-C. GRCh37 (hg19) VCF-style: chrX-38229085-A-C.
Other names: c.253A>C, p.Ile85Leu (NM_001407092.1); short protein forms I85L.
Identifiers: ClinVar variation 3387412 (VCV003387412.1).